The following is an entry in ClinVar:

NM_001098511.3(KIF2A):c.260A>C (p.Lys87Thr)

Gene: KIF2A (kinesin family member 2A; plus strand). Cytogenetic location: 5q12.1.
Variant type: single nucleotide variant.
Coding change: c.260A>C on transcript NM_001098511.3 (MANE Select); coding-DNA position 260, A replaced by C.
Protein change: p.Lys87Thr; replaces lysine 87 with threonine.
Molecular consequence: missense variant.
Genome position (GRCh38, 1-based): chr5:62,348,148, A>C. VCF-style: chr5-62348148-A-C. GRCh37 (hg19) VCF-style: chr5-61643975-A-C.
Other names: c.179A>C, p.Lys60Thr (NM_001243952.2); c.260A>C, p.Lys87Thr (NM_001243953.2, NM_004520.5); short protein forms K60T, K87T.
Identifiers: ClinVar variation 4734401 (VCV004734401.1).
Genomic context (GRCh38, chr5:62,348,148, plus strand): 5'-TTCCTGATGAAGAAATTGAACCCAGTCCAGAAACACCTCCACCTCCAGCATCCTCAGCCA[A>C]AGTAAACAAAATTGTAAAGGTTAGTGATGAAAATTCAGAGTGCAGGACACTGGGAGAGAG-3'
Protein context (NP_001091981.1, residues 77-97): ETPPPPASSA[Lys87Thr]VNKIVKNRRT

ClinVar aggregate classification (germline): Uncertain significance (1 of 4 stars; one submission).

Submission:

Labcorp Genetics (formerly Invitae), Labcorp
Classification: Uncertain significance. Last evaluated: 2025-12-30. Review status: criteria provided, single submitter. Criteria: Invitae Variant Classification Sherloc (09022015). Collection method: clinical testing. Allele origin: germline.
Comment: This sequence change replaces lysine, which is basic and polar, with threonine, which is neutral and polar, at codon 87 of the KIF2A protein (p.Lys87Thr). This variant is not present in population databases (gnomAD no frequency). This variant has not been reported in the literature in individuals affected with KIF2A-related conditions. An algorithm developed to predict the effect of missense changes on protein structure and function (PolyPhen-2) suggests that this variant is likely to be disruptive. In summary, the available evidence is currently insufficient to determine the role of this variant in disease. Therefore, it has been classified as a Variant of Uncertain Significance.